The following is an entry in ClinVar:

ClinVar aggregate classification (germline): Uncertain significance. Review status: criteria provided, multiple submitters, no conflicts (2 of 4 stars). 2 submissions from 2 submitters: Uncertain significance (2). Last evaluated 2025-04-02.

Allele frequency attached by ClinVar (database versions not stated): gnomAD exomes below 0.00001.
gnomAD v4.1: 1 of 1,614,142 alleles (0.000062%); highest among the groups gnomAD compares: Non-Finnish European, 0.000085%; no homozygotes.

Submissions (2):

GeneDx
Classification: Uncertain significance. Last evaluated: 2025-04-02. Review status: criteria provided, single submitter. Criteria: GeneDx Variant Classification Process June 2021. Collection method: clinical testing. Allele origin: germline. Affected: yes.
Comment: Not observed at significant frequency in large population cohorts (gnomAD); In silico analysis supports that this missense variant has a deleterious effect on protein structure/function; Has not been previously published as pathogenic or benign to our knowledge

Labcorp Genetics (formerly Invitae), Labcorp
Classification: Uncertain significance. Last evaluated: 2022-09-14. Review status: criteria provided, single submitter. Criteria: Invitae Variant Classification Sherloc (09022015). Collection method: clinical testing. Allele origin: germline.
Comment: In summary, the available evidence is currently insufficient to determine the role of this variant in disease. Therefore, it has been classified as a Variant of Uncertain Significance. This sequence change replaces phenylalanine, which is neutral and non-polar, with cysteine, which is neutral and slightly polar, at codon 1667 of the SCN3A protein (p.Phe1667Cys). This variant is not present in population databases (gnomAD no frequency). This variant has not been reported in the literature in individuals affected with SCN3A-related conditions. Advanced modeling of protein sequence and biophysical properties (such as structural, functional, and spatial information, amino acid conservation, physicochemical variation, residue mobility, and thermodynamic stability) has been performed at Invitae for this missense variant, however the output from this modeling did not meet the statistical confidence thresholds required to predict the impact of this variant on SCN3A protein function.

NM_006922.4(SCN3A):c.5000T>G (p.Phe1667Cys)

Gene: SCN3A (sodium voltage-gated channel alpha subunit 3; minus strand). Cytogenetic location: 2q24.3.
Variant type: single nucleotide variant.
Coding change: c.5000T>G on transcript NM_006922.4 (MANE Select); coding-DNA position 5000, T replaced by G.
Protein change: p.Phe1667Cys; replaces phenylalanine 1667 with cysteine.
Molecular consequence: missense variant.
Genome position (GRCh38, 1-based): chr2:165,091,153, A>C on the plus strand (T>G on the coding strand, the complement: SCN3A is on the minus strand). VCF-style: chr2-165091153-A-C. GRCh37 (hg19) VCF-style: chr2-165947663-A-C.
Other names: c.5000T>G (NM_006922.3); c.4853T>G, p.Phe1618Cys (NM_001081676.2, NM_001081677.2); short protein forms F1667C, F1618C.
Identifiers: ClinVar variation 2007970 (VCV002007970.5), dbSNP rs2468041502, ClinGen allele CA349017686.